The following is an entry in ClinVar:

ClinVar aggregate classification (germline): Uncertain significance (1 of 4 stars; one submission).

Conditions:
Werner syndrome (WRN). Identifiers: Orphanet 902, MedGen C0043119, MONDO:0010196, OMIM 277700.

Submission:

Labcorp Genetics (formerly Invitae), Labcorp
Classification: Uncertain significance for Werner syndrome. Last evaluated: 2020-07-30. Review status: criteria provided, single submitter. Criteria: Invitae Variant Classification Sherloc (09022015). Collection method: clinical testing. Allele origin: germline.
Comment: In summary, the available evidence is currently insufficient to determine the role of this variant in disease. Therefore, it has been classified as a Variant of Uncertain Significance. Algorithms developed to predict the effect of sequence changes on RNA splicing suggest that this variant may create or strengthen a splice site, but this prediction has not been confirmed by published transcriptional studies. Algorithms developed to predict the effect of missense changes on protein structure and function output the following: SIFT: "Not Available"; PolyPhen-2: "Benign"; Align-GVGD: "Not Available". The glycine amino acid residue is found in multiple mammalian species, suggesting that this missense change does not adversely affect protein function. These predictions have not been confirmed by published functional studies and their clinical significance is uncertain. This variant has not been reported in the literature in individuals with WRN-related conditions. This variant is not present in population databases (ExAC no frequency). This sequence change replaces aspartic acid with glycine at codon 322 of the WRN protein (p.Asp322Gly). The aspartic acid residue is moderately conserved and there is a moderate physicochemical difference between aspartic acid and glycine.

NM_000553.6(WRN):c.965A>G (p.Asp322Gly)

Gene: WRN (WRN RecQ like helicase; plus strand). Cytogenetic location: 8p12.
Variant type: single nucleotide variant.
Coding change: c.965A>G on transcript NM_000553.6 (MANE Select); coding-DNA position 965, A replaced by G.
Protein change: p.Asp322Gly; replaces aspartic acid 322 with glycine.
Molecular consequence: missense variant.
Genome position (GRCh38, 1-based): chr8:31,080,992, A>G. VCF-style: chr8-31080992-A-G. GRCh37 (hg19) VCF-style: chr8-30938508-A-G.
Other names: short protein forms D322G.
Identifiers: ClinVar variation 1018551 (VCV001018551.3), dbSNP rs1813282566, ClinGen allele CA370920058.